The following is an entry in ClinVar:

NM_000516.7(GNAS):c.854T>C (p.Ile285Thr)

Gene: GNAS (GNAS complex locus; plus strand). Cytogenetic location: 20q13.32.
Variant type: single nucleotide variant.
Coding change: c.854T>C on transcript NM_000516.7 (MANE Select); coding-DNA position 854, T replaced by C.
Protein change: p.Ile285Thr; replaces isoleucine 285 with threonine.
Molecular consequence: missense variant. On other transcripts: 3 prime UTR variant (2).
Genome position (GRCh38, 1-based): chr20:58,909,965, T>C. VCF-style: chr20-58909965-T-C. GRCh37 (hg19) VCF-style: chr20-57485020-T-C.
Other names: c.854T>C (NM_000516.5); c.2738T>C, p.Ile913Thr (NM_001410913.1); c.*760T>C (NM_016592.5); c.2783T>C, p.Ile928Thr (NM_080425.4); c.812T>C, p.Ile271Thr (NM_080426.4); c.857T>C, p.Ile286Thr (NM_001077488.5); c.809T>C, p.Ile270Thr (NM_001077489.4); c.*715T>C (NM_001077490.3); and 2 more; short protein forms I226T, I253T, I270T, I271T, I285T, I286T, I913T, I928T.
Identifiers: ClinVar variation 3365755 (VCV003365755.2).

ClinVar aggregate classification (germline): Uncertain significance. Review status: criteria provided, multiple submitters, no conflicts (2 of 4 stars). 2 submissions from 2 submitters: Uncertain significance (2). Last evaluated 2026-06-05.

Conditions:
GNAS-related disorder. Identifiers: MedGen CN380105.

Submissions (2):

PreventionGenetics, part of Exact Sciences
Classification: Uncertain significance for GNAS-related condition. Last evaluated: 2026-06-05. Review status: criteria provided, single submitter. Criteria: ACMG Guidelines, 2015. Collection method: clinical testing. Allele origin: germline.
Comment: The GNAS c.854T>C variant is predicted to result in the amino acid substitution p.Ile285Thr. To our knowledge, this variant has not been reported in the literature or in a large population database (gnomAD), indicating this variant is rare. At this time, the clinical significance of this variant is uncertain due to the absence of conclusive functional and genetic evidence.

GeneDx
Classification: Uncertain significance. Last evaluated: 2023-12-21. Review status: criteria provided, single submitter. Criteria: GeneDx Variant Classification Process June 2021. Collection method: clinical testing. Allele origin: germline. Affected: yes.
Comment: Not observed at significant frequency in large population cohorts (gnomAD); In silico analysis supports that this missense variant has a deleterious effect on protein structure/function; Has not been previously published as pathogenic or benign to our knowledge